The following is an entry in ClinVar:

NM_001009944.3(PKD1):c.2962_2963del (p.Ser988fs)

Gene: PKD1 (polycystin 1, transient receptor potential channel interacting; minus strand). Cytogenetic location: 16p13.3.
Variant type: Microsatellite.
Coding change: c.2962_2963del on transcript NM_001009944.3 (MANE Select); coding-DNA positions 2962 to 2963, 2 bases deleted (AG; older notation c.2962_2963delAG).
Protein change: p.Ser988fs; shifts the reading frame from serine 988.
Molecular consequence: frameshift variant.
Genome position (GRCh38, 1-based): chr16:2,113,183-2,113,184, CT deleted on the plus strand (AG on the coding strand, the reverse complement: PKD1 is on the minus strand); deleting any 2 consecutive bases within chr16:2,113,183-2,113,186 gives the same sequence; the c. name uses the placement nearest the transcript's 3' end. VCF-style (leftmost placement, unchanged base first): chr16-2113182-GCT-G. GRCh37 (hg19) VCF-style: chr16-2163183-GCT-G.
Other names: c.2962_2963del, p.Ser988fs (NM_000296.4); c.2960_2961AG[1], p.Ser988Argfs (NM_001009944.2); c.2962_2963del (NM_001009944.2); short protein forms S988fs.
Identifiers: ClinVar variation 3252578 (VCV003252578.2), dbSNP rs2544844831.

ClinVar aggregate classification (germline): Pathogenic. Review status: criteria provided, multiple submitters, no conflicts (2 of 4 stars). 2 submissions from 2 submitters: Pathogenic (2). Last evaluated 2023-12-21.

Conditions:
PKD1-related disorder. Also called: PKD1-related condition.

Submissions (2):

GeneDx
Classification: Pathogenic. Last evaluated: 2023-12-21. Review status: criteria provided, single submitter. Criteria: GeneDx Variant Classification Process June 2021. Collection method: clinical testing. Allele origin: germline. Affected: yes.
Comment: Frameshift variant predicted to result in protein truncation or nonsense mediated decay in a gene for which loss of function is a known mechanism of disease; Not observed at significant frequency in large population cohorts (gnomAD); This variant is associated with the following publications: (PMID: 22508176)

Blueprint Genetics
Classification: Pathogenic for PKD1-related disorders. Last evaluated: 2021-07-28. Review status: criteria provided, single submitter. Criteria: ACMG Guidelines, 2015. Collection method: clinical testing. Allele origin: germline. Affected: yes. Observed: 1 variant allele.